The following is an entry in ClinVar:

ClinVar aggregate classification (germline): Uncertain significance (1 of 4 stars; one submission).

Conditions:
Cockayne syndrome type 2 (CSB). Also called: Cockayne Syndrome, Type II; COCKAYNE SYNDROME B. Identifiers: Orphanet 191, Orphanet 90322, MedGen C0751038, MONDO:0019570, OMIM 133540.
UV-sensitive syndrome 1 (UVSS1). Identifiers: Orphanet 178338, MedGen C3551173, MONDO:0010909, OMIM 600630.
DE SANCTIS-CACCHIONE SYNDROME. Identifiers: MedGen C0265201, MONDO:0010217, OMIM 278800.
Cerebrooculofacioskeletal syndrome 1 (COFS1). Also called: Cerebro-oculo-facio-skeletal syndrome 1. Identifiers: MedGen C0220722, MONDO:0008955, OMIM 214150.
Age related macular degeneration 5. Identifiers: MedGen C3151063, MONDO:0013409, OMIM 613761.
Premature ovarian failure 11 (POF11). Identifiers: MedGen C4310783, MONDO:0014843, OMIM 616946.
Lung cancer. Also called: Malignant tumor of lung; Lung cancer, somatic. Identifiers: MedGen C0242379, MONDO:0008903, OMIM 211980.

gnomAD v4.1: 2 of 1,614,112 alleles (0.00012%); highest among the groups gnomAD compares: Non-Finnish European, 0.00017%; no homozygotes.

Submission:

Juno Genomics, Hangzhou Juno Genomics, Inc
Classification: Uncertain significance for UV-sensitive syndrome 1; DE SANCTIS-CACCHIONE SYNDROME; Lung cancer; Age related macular degeneration 5; Cerebrooculofacioskeletal syndrome 1; Cockayne syndrome type 2; Premature ovarian failure 11. Review status: criteria provided, single submitter. Criteria: ACMG Guidelines, 2015. Collection method: clinical testing. Allele origin: germline.
Comment: Absent from controls (or at extremely low frequency if recessive) in Genome Aggregation Database.;Multiple lines of computational evidence support a deleterious effect on the gene or gene product.

NM_000124.4(ERCC6):c.1769C>T (p.Pro590Leu)

Gene: ERCC6 (ERCC excision repair 6, chromatin remodeling factor; minus strand). Cytogenetic location: 10q11.23.
Variant type: single nucleotide variant.
Coding change: c.1769C>T on transcript NM_000124.4 (MANE Select); coding-DNA position 1769, C replaced by T.
Protein change: p.Pro590Leu; replaces proline 590 with leucine.
Molecular consequence: missense variant.
Genome position (GRCh38, 1-based): chr10:49,493,169, G>A on the plus strand (C>T on the coding strand, the complement: ERCC6 is on the minus strand). VCF-style: chr10-49493169-G-A. GRCh37 (hg19) VCF-style: chr10-50701215-G-A.
Other names: c.1769C>T, p.Pro590Leu (NM_001346440.2); short protein forms P590L.
Identifiers: ClinVar variation 5019953 (VCV005019953.2).